The following is an entry in ClinVar:

ClinVar aggregate classification (germline): Uncertain significance (1 of 4 stars; one submission).

Conditions:
Brachyolmia-amelogenesis imperfecta syndrome. Also called: Tooth agenesis, selective, 6; Dental anomalies and short stature; PLATYSPONDYLY WITH AMELOGENESIS IMPERFECTA. Identifiers: Orphanet 2899, MedGen C1832594, MONDO:0011018, OMIM 601216. Disease mechanism: loss of function.

gnomAD v4.1: 6 of 1,613,992 alleles (0.00037%); highest among the groups gnomAD compares: Non-Finnish European, 0.00051%; no homozygotes.

Submission:

Labcorp Genetics (formerly Invitae), Labcorp
Classification: Uncertain significance for Brachyolmia-amelogenesis imperfecta syndrome. Last evaluated: 2024-02-17. Review status: criteria provided, single submitter. Criteria: Invitae Variant Classification Sherloc (09022015). Collection method: clinical testing. Allele origin: germline.
Comment: This sequence change replaces tyrosine, which is neutral and polar, with serine, which is neutral and polar, at codon 691 of the LTBP3 protein (p.Tyr691Ser). This variant is not present in population databases (gnomAD no frequency). This variant has not been reported in the literature in individuals affected with LTBP3-related conditions. An algorithm developed to predict the effect of missense changes on protein structure and function (PolyPhen-2) suggests that this variant is likely to be tolerated. In summary, the available evidence is currently insufficient to determine the role of this variant in disease. Therefore, it has been classified as a Variant of Uncertain Significance.

NM_001130144.3(LTBP3):c.2072A>C (p.Tyr691Ser)

Gene: LTBP3 (latent transforming growth factor beta binding protein 3; minus strand). Cytogenetic location: 11q13.1.
Variant type: single nucleotide variant.
Coding change: c.2072A>C on transcript NM_001130144.3 (MANE Select); coding-DNA position 2072, A replaced by C.
Protein change: p.Tyr691Ser; replaces tyrosine 691 with serine.
Molecular consequence: missense variant.
Genome position (GRCh38, 1-based): chr11:65,547,474, T>G on the plus strand (A>C on the coding strand, the complement: LTBP3 is on the minus strand). VCF-style: chr11-65547474-T-G. GRCh37 (hg19) VCF-style: chr11-65314945-T-G.
Other names: c.1721A>C, p.Tyr574Ser (NM_001164266.1); c.2072A>C, p.Tyr691Ser (NM_021070.4); short protein forms Y574S, Y691S.
Identifiers: ClinVar variation 3713738 (VCV003713738.2).